The following is an entry in ClinVar:

ClinVar aggregate classification (germline): Benign (1 of 4 stars; one submission).

Conditions:
Lynch syndrome 4 (LYNCH4). Also called: Colorectal cancer, hereditary nonpolyposis, type 4; Hereditary non-polyposis colorectal cancer, type 4. Identifiers: Orphanet 144, MedGen C1838333, MONDO:0013699, OMIM 614337. Disease mechanism: loss of function.

Submission:

Myriad Genetics, Inc.
Classification: Benign for Lynch syndrome 4. Last evaluated: 2025-01-24. Review status: criteria provided, single submitter. Criteria: Myriad Autosomal Dominant, Autosomal Recessive and X-Linked Classification Criteria (2023). Collection method: clinical testing. Allele origin: unknown.
Comment: This variant is considered benign. This variant is a silent/synonymous amino acid change and it is not expected to impact splicing.

NM_000535.7(PMS2):c.331C>T (p.Leu111=)

Gene: PMS2 (PMS1 homolog 2, mismatch repair system component; minus strand). Cytogenetic location: 7p22.1.
Variant type: single nucleotide variant.
Coding change: c.331C>T on transcript NM_000535.7 (MANE Select); coding-DNA position 331, C replaced by T.
Protein change: p.Leu111=; no amino-acid change (leucine 111 retained).
Molecular consequence: synonymous variant. On other transcripts: 5 prime UTR variant (25), non-coding transcript variant (1), intron variant (21).
Genome position (GRCh38, 1-based): chr7:6,003,712, G>A on the plus strand (C>T on the coding strand, the complement: PMS2 is on the minus strand). VCF-style: chr7-6003712-G-A. GRCh37 (hg19) VCF-style: chr7-6043343-G-A.
Other names: c.-75C>T (NM_001322003.2, NM_001322004.2, NM_001322005.2 and 13 more transcripts); c.331C>T, p.Leu111= (NM_001322006.2, NM_001322014.2, NM_001406869.1 and 8 more transcripts); c.-554C>T (NM_001322011.2, NM_001322012.2); c.-154C>T (NM_001322015.2, NM_001406875.1, NM_001406877.1 and 3 more transcripts); c.517C>T, p.Leu173= (NM_001406866.1); c.355C>T, p.Leu119= (NM_001406868.1); c.-65C>T (NM_001406890.1); c.35+260C>T (NM_001322008.2, NM_001406902.1, NM_001406883.1 and 4 more transcripts); and 5 more.
Identifiers: ClinVar variation 3903604 (VCV003903604.1).